The following is an entry in ClinVar:

NM_001365088.1(SLC12A6):c.-72-214C>T

Gene: SLC12A6 (solute carrier family 12 member 6; minus strand). Cytogenetic location: 15q14.
Variant type: single nucleotide variant.
Coding change: c.-72-214C>T on transcript NM_001365088.1 (MANE Select); 214 bases into the intron before 72 bases upstream of the start codon, C replaced by T.
Molecular consequence: intron variant. On other transcripts: 5 prime UTR variant (2).
Genome position (GRCh38, 1-based): chr15:34,336,966, G>A on the plus strand (C>T on the coding strand, the complement: SLC12A6 is on the minus strand). VCF-style: chr15-34336966-G-A. GRCh37 (hg19) VCF-style: chr15-34629167-G-A.
Other names: c.-286C>T (NM_001042497.2, NM_133647.2); c.-98-365C>T (NM_001042495.2, NM_001042494.2); c.-14-299C>T (NM_001042496.2).
Identifiers: ClinVar variation 679868 (VCV000679868.2), dbSNP rs73374493, ClinGen allele CA14183221.

ClinVar aggregate classification (germline): Benign. Review status: criteria provided, multiple submitters, no conflicts (2 of 4 stars). 2 submissions from 2 submitters: Benign (2). Last evaluated 2018-06-14.

Allele frequency attached by ClinVar (database versions not stated): gnomAD 0.16593 and 0.17000; gnomAD exomes 0.17438; TOPMed 0.17810; 1000 Genomes Project 30x 0.21736; 1000 Genomes Project 0.22444.
gnomAD v4.1: 76,493 of 442,626 alleles (17%); highest among the groups gnomAD compares: East Asian, 31%; 7,202 homozygotes.

Submissions (2):

GeneDx
Classification: Benign. Last evaluated: 2018-06-14. Review status: criteria provided, single submitter. Criteria: GeneDx Variant Classification (06012015). Collection method: clinical testing. Allele origin: germline. Affected: yes.
Comment: This variant is considered likely benign or benign based on one or more of the following criteria: it is a conservative change, it occurs at a poorly conserved position in the protein, it is predicted to be benign by multiple in silico algorithms, and/or has population frequency not consistent with disease.

Breakthrough Genomics
Classification: Benign. Review status: criteria provided, single submitter. Criteria: ACMG Guidelines, 2015. Collection method: not provided. Allele origin: germline. Inheritance: Autosomal recessive inheritance. Affected: yes.